The following is an entry in ClinVar:

ClinVar aggregate classification (germline): Uncertain significance (1 of 4 stars; one submission).

Submission:

Ambry Genetics
Classification: Uncertain significance. Last evaluated: 2022-07-10. Review status: criteria provided, single submitter. Criteria: Ambry Variant Classification Scheme 2023. Collection method: clinical testing. Allele origin: germline.
Comment: The p.S989F variant (also known as c.2966C>T), located in coding exon 26 of the KIF1B gene, results from a C to T substitution at nucleotide position 2966. The serine at codon 989 is replaced by phenylalanine, an amino acid with highly dissimilar properties. This amino acid position is conserved. In addition, this alteration is predicted to be deleterious by in silico analysis. Since supporting evidence is limited at this time, the clinical significance of this alteration remains unclear.

NM_001365951.3(KIF1B):c.3104C>T (p.Ser1035Phe)

Gene: KIF1B (kinesin family member 1B; plus strand). Cytogenetic location: 1p36.22.
Variant type: single nucleotide variant.
Coding change: c.3104C>T on transcript NM_001365951.3 (MANE Select); coding-DNA position 3104, C replaced by T.
Protein change: p.Ser1035Phe; replaces serine 1035 with phenylalanine.
Molecular consequence: missense variant.
Genome position (GRCh38, 1-based): chr1:10,336,717, C>T. VCF-style: chr1-10336717-C-T. GRCh37 (hg19) VCF-style: chr1-10396775-C-T.
Other names: c.3104C>T, p.Ser1035Phe (NM_001365952.1); c.2966C>T, p.Ser989Phe (NM_015074.3); short protein forms S989F, S1035F.
Identifiers: ClinVar variation 1798218 (VCV001798218.2), dbSNP rs1652195142, ClinGen allele CA338339423.
Genomic context (GRCh38, chr1:10,336,717, plus strand): 5'-CGGATGAAGAAGCTCCTGATTATGGCTCTGGAATTCGACAGTCAGGAACAGCTAAAATAT[C>T]TTTTGATAATGAATACTTTAATCAGGTGAGAAACCGTCAGGAAGAAGGAAAACCCTGTGG-3'
Protein context (NP_001352880.1, residues 1025-1045): GIRQSGTAKI[Ser1035Phe]FDNEYFNQSD